The following is an entry in ClinVar:

ClinVar aggregate classification (germline): Uncertain significance (1 of 4 stars; one submission).

Submission:

Labcorp Genetics (formerly Invitae), Labcorp
Classification: Uncertain significance. Last evaluated: 2023-06-11. Review status: criteria provided, single submitter. Criteria: Invitae Variant Classification Sherloc (09022015). Collection method: clinical testing. Allele origin: germline.
Comment: In summary, the available evidence is currently insufficient to determine the role of this variant in disease. Therefore, it has been classified as a Variant of Uncertain Significance. Experimental studies and prediction algorithms are not available or were not evaluated, and the functional significance of this variant is currently unknown. This variant has not been reported in the literature in individuals affected with SHPK-related conditions. This variant results in a copy number gain of the genomic region encompassing exon(s) 2-7 of the SHPK gene. This region includes the termination codon of the gene. This copy number gain extends beyond the assayed region for this gene and therefore may encompass additional genes. As the precise location of this event is unknown, it may be in tandem or it may be located elsewhere in the genome.

NC_000017.10:g.(?_3513854)_(3533660_?)dup

Gene: SHPK (sedoheptulokinase; minus strand). Cytogenetic location: 17p13.2.
Variant type: Duplication.
Identifiers: ClinVar variation 2425849 (VCV002425849.4).